The following is an entry in ClinVar:

ClinVar aggregate classification (germline): Uncertain significance (1 of 4 stars; one submission).

gnomAD v4.1: 8 of 1,613,942 alleles (0.0005%); highest among the groups gnomAD compares: Admixed American, 0.0017%; no homozygotes.

Submissions (2):

GeneDx
Classification: Uncertain significance. Last evaluated: 2024-03-20. Review status: criteria provided, single submitter. Criteria: GeneDx Variant Classification Process June 2021. Collection method: clinical testing. Allele origin: germline. Affected: yes.
Comment: Not observed at significant frequency in large population cohorts (gnomAD); In silico analysis supports a deleterious effect on splicing; Has not been previously published as pathogenic or benign to our knowledge

Dr. Peter K. Rogan Lab, Western University
No classification provided (evidence only). Condition: Sarcoma. Review status: no classification provided. Collection method: in vitro. Allele origin: not applicable. Functional consequence: retained intron. Not counted in ClinVar's aggregate classification.

NM_003680.4(YARS1):c.222G>A (p.Ala74=)

Gene: YARS1 (tyrosyl-tRNA synthetase 1; minus strand). Cytogenetic location: 1p35.1.
Variant type: single nucleotide variant.
Coding change: c.222G>A on transcript NM_003680.4 (MANE Select); coding-DNA position 222, G replaced by A.
Protein change: p.Ala74=; no amino-acid change (alanine 74 retained).
Molecular consequence: synonymous variant.
Genome position (GRCh38, 1-based): chr1:32,810,749, C>T on the plus strand (G>A on the coding strand, the complement: YARS1 is on the minus strand). VCF-style: chr1-32810749-C-T. GRCh37 (hg19) VCF-style: chr1-33276350-C-T.
Other names: NC_000001.10:g.33276350C>T.
Identifiers: ClinVar variation 3371069 (VCV003371069.2).
Genomic context (GRCh38, chr1:32,810,749, plus strand): 5'-GACTCGGAGTTCTAGAAGTTCCCATGGGGCTTTCATGTTATCCAGGTATGCGTGGAGGTC[C>T]GCAAACAGAATTGTTACCTGGACAAGAGATAAGGGGCCACCAAAATGTGAATTTGTCCAA-3'
Protein context (NP_003671.1, residues 64-84): KAGCEVTILF[Ala74=]DLHAYLDNMK